The following is an entry in ClinVar:

NM_058179.4(PSAT1):c.851A>G (p.Asn284Ser)

Gene: PSAT1 (phosphoserine aminotransferase 1; plus strand). Cytogenetic location: 9q21.2.
Variant type: single nucleotide variant.
Coding change: c.851A>G on transcript NM_058179.4 (MANE Select); coding-DNA position 851, A replaced by G.
Protein change: p.Asn284Ser; replaces asparagine 284 with serine.
Molecular consequence: missense variant.
Genome position (GRCh38, 1-based): chr9:78,317,786, A>G. VCF-style: chr9-78317786-A-G. GRCh37 (hg19) VCF-style: chr9-80932702-A-G.
Other names: c.851A>G, p.Asn284Ser (NM_021154.5); short protein forms N284S.
Identifiers: ClinVar variation 850530 (VCV000850530.9), dbSNP rs760073635, ClinGen allele CA5095740.
Genomic context (GRCh38, chr9:78,317,786, plus strand): 5'-CCGCGGCCATGGAGAAGCTTAGCTCCATCAAATCTCAAACAATTTATGAGATTATTGATA[A>G]TTCTCAAGGATTCTACGTGTAAGTCAATGGATTTTATCTCCTATTTTGCCTCTTGTGAAT-3'
Protein context (NP_478059.1, residues 274-294): KSQTIYEIID[Asn284Ser]SQGFYVCPVE

ClinVar aggregate classification (germline): Uncertain significance. Review status: criteria provided, single submitter (1 of 4 stars). 2 submissions from 2 submitters: Uncertain significance (1). 1 of the submissions does not count toward it. Last evaluated 2025-12-21.

Conditions:
Neu-Laxova syndrome 2. Identifiers: Orphanet 2671, Orphanet 583602, MedGen C4015019, MONDO:0014466, OMIM 616038.

Allele frequency attached by ClinVar (database versions not stated): gnomAD 0.00001; gnomAD exomes 0.00002 and 0.00006; TOPMed 0.00002; ExAC 0.00005.
gnomAD v4.1: 14 of 1,612,798 alleles (0.00087%); highest among the groups gnomAD compares: East Asian, 0.027%; no homozygotes.

Submissions (2):

Labcorp Genetics (formerly Invitae), Labcorp
Classification: Uncertain significance for Neu-Laxova syndrome 2. Last evaluated: 2025-12-21. Review status: criteria provided, single submitter. Criteria: Invitae Variant Classification Sherloc (09022015). Collection method: clinical testing. Allele origin: germline.
Comment: This sequence change replaces asparagine, which is neutral and polar, with serine, which is neutral and polar, at codon 284 of the PSAT1 protein (p.Asn284Ser). This variant is present in population databases (rs760073635, gnomAD 0.08%). This variant has not been reported in the literature in individuals affected with PSAT1-related conditions. ClinVar contains an entry for this variant (Variation ID: 850530). Invitae Evidence Modeling of protein sequence and biophysical properties (such as structural, functional, and spatial information, amino acid conservation, physicochemical variation, residue mobility, and thermodynamic stability) indicates that this missense variant is not expected to disrupt PSAT1 protein function with a negative predictive value of 80%. In summary, the available evidence is currently insufficient to determine the role of this variant in disease. Therefore, it has been classified as a Variant of Uncertain Significance.

Dudley Research Group, Pacific Northwest Research Institute
No classification provided. Review status: no classification provided. Collection method: research, in vivo. Allele origin: unknown, not applicable. Functional consequence: functionally_normal. Not counted in ClinVar's aggregate classification.